The following is an entry in ClinVar:

NM_001111.5(ADAR):c.3307del (p.His1103fs)

Gene: ADAR (adenosine deaminase RNA specific; minus strand). Cytogenetic location: 1q21.3.
Variant type: Deletion.
Coding change: c.3307del on transcript NM_001111.5 (MANE Select); coding-DNA position 3307, one base deleted (C; older notation c.3307delC).
Protein change: p.His1103fs; shifts the reading frame from histidine 1103.
Molecular consequence: frameshift variant.
Genome position (GRCh38, 1-based): chr1:154,585,761, G deleted on the plus strand (C on the coding strand, the reverse complement: ADAR is on the minus strand); the first of 2 consecutive G bases (chr1:154,585,761-154,585,762); deleting either gives the same sequence. VCF-style (leftmost placement, unchanged base first): chr1-154585760-TG-T. GRCh37 (hg19) VCF-style: chr1-154558236-TG-T.
Other names: c.2422del, p.His808fs (NM_001025107.3, NM_001193495.2, NM_001365046.1 and 2 more transcripts); c.3334del, p.His1112fs (NM_001365045.1); c.2344del, p.His782fs (NM_001365049.1); c.3229del, p.His1077fs (NM_015840.4); c.3172del, p.His1058fs (NM_015841.4); c.3307delC (NM_001111.5); short protein forms H1058fs, H1077fs, H1103fs, H1112fs, H782fs, H808fs.
Identifiers: ClinVar variation 4075410 (VCV004075410.1).

ClinVar aggregate classification (germline): Likely pathogenic (1 of 4 stars; one submission).

Conditions:
Symmetrical dyschromatosis of extremities (DSH). Also called: DYSCHROMATOSIS SYMMETRICA HEREDITARIA 1; RETICULATE ACROPIGMENTATION OF DOHI; SYMMETRIC DYSCHROMATOSIS OF THE EXTREMITIES; Dyschromatosis symmetrica hereditaria. Identifiers: Orphanet 41, MedGen C0406775, MONDO:0007483, OMIM 127400.

Submission:

Dermatology, The Second Affiliated Hospital of Xi'an Jiaotong University
Classification: Likely pathogenic for Symmetrical dyschromatosis of extremities. Last evaluated: 2020-10-23. Review status: criteria provided, single submitter. Criteria: ACMG Guidelines, 2015. Collection method: clinical testing. Allele origin: germline. Affected: yes. Observed: 1 variant allele.
Comment: Frameshift deletion c.3307delCis Likely Pathogenic. It causes premature termination (p.Leu1103SerfsTer9), predicting loss of function (PVS1_Strong). Absent in control populations (PM2). No evidence of benign impact.